The following is an entry in ClinVar:

ClinVar aggregate classification (germline): Uncertain significance (1 of 4 stars; one submission).

Submission:

GeneDx
Classification: Uncertain significance. Last evaluated: 2025-06-11. Review status: criteria provided, single submitter. Criteria: GeneDx Variant Classification Process June 2021. Collection method: clinical testing. Allele origin: germline. Affected: yes.
Comment: Not observed at significant frequency in large population cohorts (gnomAD); In silico analysis supports that this missense variant has a deleterious effect on protein structure/function; Has not been previously published as pathogenic or benign to our knowledge

NM_182931.3(KMT2E):c.1589T>A (p.Leu530His)

Gene: KMT2E (lysine methyltransferase 2E (inactive); plus strand). Cytogenetic location: 7q22.3.
Variant type: single nucleotide variant.
Coding change: c.1589T>A on transcript NM_182931.3 (MANE Select); coding-DNA position 1589, T replaced by A.
Protein change: p.Leu530His; replaces leucine 530 with histidine.
Molecular consequence: missense variant.
Genome position (GRCh38, 1-based): chr7:105,090,239, T>A. VCF-style: chr7-105090239-T-A. GRCh37 (hg19) VCF-style: chr7-104730686-T-A.
Other names: c.1589T>A, p.Leu530His (NM_001410908.1, NM_018682.4); short protein forms L530H.
Identifiers: ClinVar variation 4537744 (VCV004537744.1).
Genomic context (GRCh38, chr7:105,090,239, plus strand): 5'-CTTTGGATTGTGAAGGAACGACCAACAAAATGAAGAGCCCAGAAACTAAACAAAGAAAGC[T>A]TTCTCCACTGAGACTATCAGTATCAAATAATCAGGTACTGAACTCTGCTCTCAATGAAAT-3'
Protein context (NP_891847.1, residues 520-540): MKSPETKQRK[Leu530His]SPLRLSVSNN